The following is an entry in ClinVar:

NC_000020.10:g.(?_62065142)_(62076737_?)del

Gene: KCNQ2 (potassium voltage-gated channel subfamily Q member 2; minus strand). Cytogenetic location: 20q13.33.
Variant type: Deletion.
Identifiers: ClinVar variation 2427471 (VCV002427471.3).

ClinVar aggregate classification (germline): Pathogenic (1 of 4 stars; one submission).

Conditions:
Developmental and epileptic encephalopathy. Identifiers: MedGen C5779964, MONDO:0100620.

Submission:

Labcorp Genetics (formerly Invitae), Labcorp
Classification: Pathogenic for Early-infantile DEE. Last evaluated: 2021-12-12. Review status: criteria provided, single submitter. Criteria: Invitae Variant Classification Sherloc (09022015). Collection method: clinical testing. Allele origin: germline.
Comment: For these reasons, this variant has been classified as Pathogenic. A similar copy number variant has been observed in individual(s) with benign familial neonatal seizures (PMID: 25982755). This variant is a gross deletion of the genomic region encompassing exon(s) 3-8 of the KCNQ2 gene. This deletion is out-of-frame, and is expected to create a premature termination codon and result in an absent or disrupted protein product. Loss-of-function variants in KCNQ2 are known to be pathogenic (PMID: 14534157, 23692823, 27779742).

Literature cited by the submitters: PubMed 25982755; PubMed 14534157; PubMed 23692823; PubMed 27779742.